The following is an entry in ClinVar:

ClinVar aggregate classification (germline): Uncertain significance. Review status: criteria provided, multiple submitters, no conflicts (2 of 4 stars). 2 submissions from 2 submitters: Uncertain significance (2). Last evaluated 2021-09-01.

Allele frequency attached by ClinVar (database versions not stated): gnomAD exomes 0.00002; gnomAD 0.00003; ExAC 0.00001; TOPMed 0.00002.
gnomAD v4.1: 33 of 1,613,968 alleles (0.002%); highest among the groups gnomAD compares: Middle Eastern, 0.033%; no homozygotes.

Submissions (2):

Labcorp Genetics (formerly Invitae), Labcorp
Classification: Uncertain significance. Last evaluated: 2021-09-01. Review status: criteria provided, single submitter. Criteria: Invitae Variant Classification Sherloc (09022015). Collection method: clinical testing. Allele origin: germline.
Comment: This sequence change replaces glutamine with arginine at codon 1101 of the TTC37 protein (p.Gln1101Arg). The glutamine residue is moderately conserved and there is a small physicochemical difference between glutamine and arginine. This variant is present in population databases (rs777776420, ExAC 0.001%). This variant has not been reported in the literature in individuals affected with TTC37-related conditions. Algorithms developed to predict the effect of missense changes on protein structure and function (SIFT, PolyPhen-2, Align-GVGD) all suggest that this variant is likely to be tolerated. In summary, the available evidence is currently insufficient to determine the role of this variant in disease. Therefore, it has been classified as a Variant of Uncertain Significance.

GeneDx
Classification: Uncertain significance. Last evaluated: 2019-06-24. Review status: criteria provided, single submitter. Criteria: GeneDx Variant Classification Process June 2021. Collection method: clinical testing. Allele origin: germline. Affected: yes.
Comment: In silico analysis, which includes protein predictors and evolutionary conservation, supports that this variant does not alter protein structure/function; Has not been previously published as pathogenic or benign to our knowledge

NM_014639.4(SKIC3):c.3302A>G (p.Gln1101Arg)

Gene: SKIC3 (SKI3 subunit of superkiller complex; minus strand). Cytogenetic location: 5q15.
Variant type: single nucleotide variant.
Coding change: c.3302A>G on transcript NM_014639.4 (MANE Select); coding-DNA position 3302, A replaced by G.
Protein change: p.Gln1101Arg; replaces glutamine 1101 with arginine.
Molecular consequence: missense variant.
Genome position (GRCh38, 1-based): chr5:95,502,919, T>C on the plus strand (A>G on the coding strand, the complement: SKIC3 is on the minus strand). VCF-style: chr5-95502919-T-C. GRCh37 (hg19) VCF-style: chr5-94838623-T-C.
Other names: short protein forms Q1101R.
Identifiers: ClinVar variation 1306586 (VCV001306586.6), dbSNP rs777776420, ClinGen allele CA3346780.
Genomic context (GRCh38, chr5:95,502,919, plus strand): 5'-GTTGATGTCAACTATACATACCATTTAAATAGCAATGTCTTGGCTACATCCGTTTTTCCT[T>C]GTTTATATTCAGTTATTGCCAGAGCTGTCAAGATATGGGCTTTGTCTTGCTCCGATTCAA-3'
Protein context (NP_055454.1, residues 1091-1111): LTALAITEYK[Gln1101Arg]GKTDVAKTLL